The following is an entry in ClinVar:

NM_004304.5(ALK):c.879C>G (p.Ile293Met)

Gene: ALK (ALK receptor tyrosine kinase; minus strand). Cytogenetic location: 2p23.2.
Variant type: single nucleotide variant.
Coding change: c.879C>G on transcript NM_004304.5 (MANE Select); coding-DNA position 879, C replaced by G.
Protein change: p.Ile293Met; replaces isoleucine 293 with methionine.
Molecular consequence: missense variant.
Genome position (GRCh38, 1-based): chr2:29,694,923, G>C on the plus strand (C>G on the coding strand, the complement: ALK is on the minus strand). VCF-style: chr2-29694923-G-C. GRCh37 (hg19) VCF-style: chr2-29917789-G-C.
Other names: short protein forms I293M.
Identifiers: ClinVar variation 2566594 (VCV002566594.2), dbSNP rs1678508810, ClinGen allele CA346586951.

ClinVar aggregate classification (germline): Uncertain significance (1 of 4 stars; one submission).

Conditions:
Hereditary cancer-predisposing syndrome. Also called: Hereditary neoplastic syndrome; Hereditary Cancer Syndrome; Neoplastic Syndromes, Hereditary; Tumor predisposition. Identifiers: Orphanet 140162, MedGen C0027672, MeSH D009386, MONDO:0015356.

Submission:

Ambry Genetics
Classification: Uncertain significance for Hereditary cancer-predisposing syndrome. Last evaluated: 2023-05-11. Review status: criteria provided, single submitter. Criteria: Ambry Variant Classification Scheme 2023. Collection method: clinical testing. Allele origin: germline.
Comment: The p.I293M variant (also known as c.879C>G), located in coding exon 3 of the ALK gene, results from a C to G substitution at nucleotide position 879. The isoleucine at codon 293 is replaced by methionine, an amino acid with highly similar properties. This amino acid position is conserved. In addition, this alteration is predicted to be tolerated by in silico analysis. Since supporting evidence is limited at this time, the clinical significance of this alteration remains unclear.